The following is an entry in ClinVar:

NM_001164508.2(NEB):c.11570A>G (p.Gln3857Arg)

Gene: NEB (nebulin; minus strand). Cytogenetic location: 2q23.3.
Variant type: single nucleotide variant.
Coding change: c.11570A>G on transcript NM_001164508.2 (MANE Select); coding-DNA position 11570, A replaced by G.
Protein change: p.Gln3857Arg; replaces glutamine 3857 with arginine.
Molecular consequence: missense variant.
Genome position (GRCh38, 1-based): chr2:151,614,307, T>C on the plus strand (A>G on the coding strand, the complement: NEB is on the minus strand). VCF-style: chr2-151614307-T-C. GRCh37 (hg19) VCF-style: chr2-152470821-T-C.
Other names: c.11570A>G, p.Gln3857Arg (NM_001164507.2, NM_001271208.2); c.10841A>G, p.Gln3614Arg (NM_004543.5); short protein forms Q3614R, Q3857R.
Identifiers: ClinVar variation 967940 (VCV000967940.8), dbSNP rs760525587, ClinGen allele CA1908733.

ClinVar aggregate classification (germline): Uncertain significance. Review status: criteria provided, single submitter (1 of 4 stars). 2 submissions from 2 submitters: Uncertain significance (1). 1 of the submissions does not count toward it. Last evaluated 2022-09-07.

Conditions:
Nemaline myopathy 2 (NEM2). Also called: Nemaline myopathy 2, autosomal recessive. Identifiers: MedGen C1850569, MONDO:0009725, OMIM 256030.

Allele frequency attached by ClinVar (database versions not stated): gnomAD 0.00003; gnomAD exomes 0.00003 and 0.00006; ExAC 0.00004; TOPMed 0.00006.
gnomAD v4.1: 53 of 1,613,752 alleles (0.0033%); highest among the groups gnomAD compares: Middle Eastern, 0.016%; no homozygotes.

Submissions (2):

Labcorp Genetics (formerly Invitae), Labcorp
Classification: Uncertain significance for Nemaline myopathy 2. Last evaluated: 2022-09-07. Review status: criteria provided, single submitter. Criteria: Invitae Variant Classification Sherloc (09022015). Collection method: clinical testing. Allele origin: germline.
Comment: This sequence change replaces glutamine, which is neutral and polar, with arginine, which is basic and polar, at codon 3857 of the NEB protein (p.Gln3857Arg). This variant is present in population databases (rs760525587, gnomAD 0.02%). This variant has not been reported in the literature in individuals affected with NEB-related conditions. ClinVar contains an entry for this variant (Variation ID: 967940). Algorithms developed to predict the effect of missense changes on protein structure and function are either unavailable or do not agree on the potential impact of this missense change (SIFT: "Deleterious"; PolyPhen-2: "Not Available"; Align-GVGD: "Class C0"). In summary, the available evidence is currently insufficient to determine the role of this variant in disease. Therefore, it has been classified as a Variant of Uncertain Significance.

Natera, Inc.
Classification: Uncertain significance for Nemaline myopathy type 2. Last evaluated: 2020-04-22. Review status: no assertion criteria provided. Collection method: clinical testing. Allele origin: germline. Not counted in ClinVar's aggregate classification.